The following is an entry in ClinVar:

NM_004990.4(MARS1):c.2666A>G (p.Lys889Arg)

Gene: MARS1 (methionyl-tRNA synthetase 1; plus strand). Cytogenetic location: 12q13.3.
Variant type: single nucleotide variant.
Coding change: c.2666A>G on transcript NM_004990.4 (MANE Select); coding-DNA position 2666, A replaced by G.
Protein change: p.Lys889Arg; replaces lysine 889 with arginine.
Molecular consequence: missense variant.
Genome position (GRCh38, 1-based): chr12:57,516,544, A>G. VCF-style: chr12-57516544-A-G. GRCh37 (hg19) VCF-style: chr12-57910327-A-G.
Other names: short protein forms K889R.
Identifiers: ClinVar variation 542175 (VCV000542175.9), dbSNP rs779548081, ClinGen allele CA6650917.

ClinVar aggregate classification (germline): Uncertain significance. Review status: criteria provided, multiple submitters, no conflicts (2 of 4 stars). 2 submissions from 2 submitters: Uncertain significance (2). Last evaluated 2026-04-15.

Conditions:
MARS1-related disorder. Also called: MARS1-related condition.
Charcot-Marie-Tooth disease axonal type 2U. Also called: CHARCOT-MARIE-TOOTH NEUROPATHY, TYPE 2U; CHARCOT-MARIE-TOOTH DISEASE, AXONAL, AUTOSOMAL DOMINANT, TYPE 2U. Identifiers: Orphanet 397735, MedGen C4084821, MONDO:0014566, OMIM 616280.
Severe early-onset pulmonary alveolar proteinosis due to MARS deficiency. Also called: PULMONARY ALVEOLAR PROTEINOSIS, REUNION ISLAND; Interstitial lung and liver disease. Identifiers: Orphanet 440427, MedGen C4225400, MONDO:0014206, OMIM 615486.

Allele frequency attached by ClinVar (database versions not stated): gnomAD exomes below 0.00001; ExAC 0.00001; gnomAD 0.00001; TOPMed 0.00002.

Submissions (2):

PreventionGenetics, part of Exact Sciences
Classification: Uncertain significance for MARS1-related condition. Last evaluated: 2026-04-15. Review status: criteria provided, single submitter. Criteria: ACMG Guidelines, 2015. Collection method: clinical testing. Allele origin: germline.
Comment: The MARS1 c.2666A>G variant is predicted to result in the amino acid substitution p.Lys889Arg. To our knowledge, this variant has not been reported in the literature or in a large population database (gnomAD), indicating this variant is rare. At this time, the clinical significance of this variant is uncertain due to the absence of conclusive functional and genetic evidence.

Labcorp Genetics (formerly Invitae), Labcorp
Classification: Uncertain significance for Charcot-Marie-Tooth disease axonal type 2U; Severe early-onset pulmonary alveolar proteinosis due to MARS deficiency. Last evaluated: 2024-03-12. Review status: criteria provided, single submitter. Criteria: Invitae Variant Classification Sherloc (09022015). Collection method: clinical testing. Allele origin: germline.
Comment: This sequence change replaces lysine, which is basic and polar, with arginine, which is basic and polar, at codon 889 of the MARS protein (p.Lys889Arg). This variant is present in population databases (rs779548081, gnomAD 0.0009%). This variant has not been reported in the literature in individuals affected with MARS-related conditions. ClinVar contains an entry for this variant (Variation ID: 542175). Experimental studies and prediction algorithms are not available or were not evaluated, and the functional significance of this variant is currently unknown. In summary, the available evidence is currently insufficient to determine the role of this variant in disease. Therefore, it has been classified as a Variant of Uncertain Significance.